The following is an entry in ClinVar:

ClinVar aggregate classification (germline): Pathogenic. Review status: criteria provided, multiple submitters, no conflicts (2 of 4 stars). 2 submissions from 2 submitters: Pathogenic (2). Last evaluated 2021-06-17.

Submissions (2):

Institute of Medical Genetics and Applied Genomics, University Hospital Tübingen
Classification: Pathogenic. Last evaluated: 2021-06-17. Review status: criteria provided, single submitter. Criteria: ACMG Guidelines, 2015. Collection method: clinical testing. Allele origin: germline. Inheritance: Autosomal dominant inheritance. Affected: yes.

ARUP Laboratories, Molecular Genetics and Genomics, ARUP Laboratories
Classification: Pathogenic. Last evaluated: 2018-09-19. Review status: criteria provided, single submitter. Criteria: ARUP Molecular Germline Variant Investigation Process. Collection method: clinical testing. Allele origin: germline.
Comment: The NF1 c.338delT; p.Leu113fs variant, to our knowledge, is not described in the medical literature or in gene-specific databases. It is also absent from general population databases (1000 Genomes Project, Exome Variant Server, and Genome Aggregation Database), indicating it is not a common polymorphism. This variant causes a frameshift by deleting a single nucleotide, so it is predicted to result in a truncated protein or mRNA subject to nonsense-mediated decay. Additionally, several downstream truncating variants have been described in individuals affected with neurofibromatosis type I (Sabbagh 2013, Xu 2014). Based on available information, this variant is considered pathogenic. REFERENCES Sabbagh A et al. NF1 molecular characterization and neurofibromatosis type I genotype-phenotype correlation: the French experience. Hum Mutat. 2013 Nov;34(11):1510-8. Xu W et al. Fifty-four novel mutations in the NF1 gene and integrated analyses of the mutations that modulate splicing. Int J Mol Med. 2014 Jul;34(1):53-60.

NM_001042492.3(NF1):c.338del (p.Leu113fs)

Gene: NF1 (neurofibromin 1; plus strand). Cytogenetic location: 17q11.2.
Variant type: Deletion.
Coding change: c.338del on transcript NM_001042492.3 (MANE Select); coding-DNA position 338, one base deleted (T; older notation c.338delT).
Protein change: p.Leu113fs; shifts the reading frame from leucine 113.
Molecular consequence: frameshift variant.
Genome position (GRCh38, 1-based): chr17:31,163,235, T deleted; the last of 2 consecutive T bases (chr17:31,163,234-31,163,235); deleting either gives the same sequence. VCF-style (leftmost placement, unchanged base first): chr17-31163233-GT-G. GRCh37 (hg19) VCF-style: chr17-29490251-GT-G.
Other names: c.338del, p.Leu113fs (NM_001128147.3); c.338delT, p.Leu113Cysfs (NM_000267.4); short protein forms L113fs.
Identifiers: ClinVar variation 811776 (VCV000811776.10), dbSNP rs1597635740, ClinGen allele CA915949709.